The following is an entry in ClinVar:

ClinVar aggregate classification (germline): Likely benign (1 of 4 stars; one submission).

Conditions:
Tuberous sclerosis 2 (TSC2). Identifiers: Orphanet 805, MedGen C1860707, MONDO:0013199, OMIM 613254.

Submission:

Myriad Genetics, Inc.
Classification: Likely benign for Tuberous sclerosis 2. Last evaluated: 2025-05-16. Review status: criteria provided, single submitter. Criteria: Myriad Autosomal Dominant, Autosomal Recessive and X-Linked Classification Criteria (2023). Collection method: clinical testing. Allele origin: unknown.
Comment: This variant is considered likely benign. This variant is intronic and is not expected to impact mRNA splicing.

NM_000548.5(TSC2):c.1946+9G>C

Gene: TSC2 (TSC complex subunit 2; plus strand). Cytogenetic location: 16p13.3.
Variant type: single nucleotide variant.
Coding change: c.1946+9G>C on transcript NM_000548.5 (MANE Select); 9 bases into the intron after coding-DNA position 1946, G replaced by C.
Molecular consequence: intron variant.
Genome position (GRCh38, 1-based): chr16:2,071,625, G>C. VCF-style: chr16-2071625-G-C. GRCh37 (hg19) VCF-style: chr16-2121626-G-C.
Other names: c.602+9G>C (NM_001406693.1, NM_001406689.1, NM_001406690.1 and 6 more transcripts); c.2036+9G>C (NM_001406667.1, NM_001406668.1); c.1346+9G>C (NM_001406680.1, NM_001406683.1, NM_001406687.1 and 6 more transcripts); c.344+9G>C (NM_001406698.1); c.1946+9G>C (NM_001114382.3, NM_001406663.1, NM_001406664.1 and 6 more transcripts); c.1934+9G>C (NM_001406671.1, NM_001406673.1); c.1484+9G>C (NM_001406681.1); c.1835+9G>C (NM_001406670.1, NM_001318827.2, NM_001406678.1); and 3 more.
Identifiers: ClinVar variation 4071237 (VCV004071237.1).